The following is an entry in ClinVar:

NM_006745.5(MSMO1):c.608_609delinsCT (p.Ile203Thr)

Gene: MSMO1 (methylsterol monooxygenase 1; plus strand). Cytogenetic location: 4q32.3.
Variant type: Indel.
Coding change: c.608_609delinsCT on transcript NM_006745.5 (MANE Select); coding-DNA positions 608 to 609, TC replaced by CT.
Protein change: p.Ile203Thr; replaces isoleucine 203 with threonine.
Molecular consequence: missense variant.
Genome position (GRCh38, 1-based): chr4:165,340,297-165,340,298, TC replaced by CT. VCF-style: chr4-165340297-TC-CT. GRCh37 (hg19) VCF-style: chr4-166261449-TC-CT.
Other names: c.215_216delinsCT, p.Ile72Thr (NM_001017369.3); short protein forms I72T, I203T.
Identifiers: ClinVar variation 1408530 (VCV001408530.4), dbSNP rs2126628257, ClinGen allele CA2573138108.
Genomic context (GRCh38, chr4:165,340,297, plus strand): 5'-AAGCTGAATATGCACATCCTTTGGAGACTCTAATTCTTGGAACTGGATTTTTCATTGGAA[TC>CT]GTGCTTTTGTGTGATCATGTAATTCTTCTTTGGGCATGGGTGACCATTCGTTTATTAGAA-3'
Protein context (NP_006736.1, residues 193-213): LILGTGFFIG[Ile203Thr]VLLCDHVILL

ClinVar aggregate classification (germline): Uncertain significance (1 of 4 stars; one submission).

Submission:

Labcorp Genetics (formerly Invitae), Labcorp
Classification: Uncertain significance. Last evaluated: 2024-10-29. Review status: criteria provided, single submitter. Criteria: Invitae Variant Classification Sherloc (09022015). Collection method: clinical testing. Allele origin: germline.
Comment: This sequence change replaces isoleucine, which is neutral and non-polar, with threonine, which is neutral and polar, at codon 203 of the MSMO1 protein (p.Ile203Thr). This variant is present in population databases (no rsID available, gnomAD 0.04%). This variant has not been reported in the literature in individuals affected with MSMO1-related conditions. ClinVar contains an entry for this variant (Variation ID: 1408530). An algorithm developed to predict the effect of missense changes on protein structure and function (PolyPhen-2) suggests that this variant¬†is likely to be tolerated. In summary, the available evidence is currently insufficient to determine the role of this variant in disease. Therefore, it has been classified as a Variant of Uncertain Significance.